The following is an entry in ClinVar:

NM_021930.6(RINT1):c.1967G>C (p.Arg656Pro)

Genes: EFCAB10 (EF-hand calcium binding domain 10; minus strand), RINT1 (RAD50 interactor 1; plus strand). Cytogenetic location: 7q22.3.
Variant type: single nucleotide variant.
Coding change: c.1967G>C on transcript NM_021930.6 (MANE Select); coding-DNA position 1967, G replaced by C.
Protein change: p.Arg656Pro; replaces arginine 656 with proline.
Molecular consequence: missense variant. On other transcripts: 3 prime UTR variant (3), non-coding transcript variant (1).
Genome position (GRCh38, 1-based): chr7:105,565,357, G>C. VCF-style: chr7-105565357-G-C. GRCh37 (hg19) VCF-style: chr7-105205804-G-C.
Other names: c.*90C>G (NM_001355526.2); c.*192C>G (NM_001355530.2); c.*45C>G (NM_001355531.2); c.1733G>C, p.Arg578Pro (NM_001346599.2); c.944G>C, p.Arg315Pro (NM_001346600.2, NM_001346603.2); c.1043G>C, p.Arg348Pro (NM_001346601.2); short protein forms R315P, R348P, R656P, R578P.
Identifiers: ClinVar variation 3314414 (VCV003314414.1).
Genomic context (GRCh38, chr7:105,565,357, plus strand): 5'-AGTCAGAGCAGGCAGTGATGTCCCTGTCCAGTTCGGCTTGCCCGTTGCTGCTGACGTTAC[G>C]AGACCATTTACTTCAGTTGGAGCAGCAGCTTTGTTTCTCCTTATTTAAAATTTTCTGGCA-3'
Protein context (NP_068749.3, residues 646-666): SSACPLLLTL[Arg656Pro]DHLLQLEQQL

ClinVar aggregate classification (germline): Uncertain significance (1 of 4 stars; one submission).

gnomAD v4.1: 2 of 1,614,166 alleles (0.00012%); highest among the groups gnomAD compares: African/African-American, 0.0013%; no homozygotes.

Submission:

Ambry Genetics
Classification: Uncertain significance. Last evaluated: 2024-04-28. Review status: criteria provided, single submitter. Criteria: Ambry Variant Classification Scheme 2023. Collection method: clinical testing. Allele origin: germline.
Comment: The p.R656P variant (also known as c.1967G>C), located in coding exon 13 of the RINT1 gene, results from a G to C substitution at nucleotide position 1967. The arginine at codon 656 is replaced by proline, an amino acid with dissimilar properties. This amino acid position is conserved. In addition, the in silico prediction for this alteration is inconclusive. Based on the available evidence, the clinical significance of this variant remains unclear.